The following is an entry in ClinVar:

NM_000051.4(ATM):c.7308-7A>G

Genes: ATM (ATM serine/threonine kinase; plus strand), C11orf65 (chromosome 11 open reading frame 65; minus strand). Cytogenetic location: 11q22.3.
Variant type: single nucleotide variant.
Coding change: c.7308-7A>G on transcript NM_000051.4 (MANE Select); 7 bases into the intron before coding-DNA position 7308, A replaced by G.
Molecular consequence: intron variant.
Genome position (GRCh38, 1-based): chr11:108,330,207, A>G. VCF-style: chr11-108330207-A-G. GRCh37 (hg19) VCF-style: chr11-108200934-A-G.
Other names: c.7308-7A>G (NM_001351834.2); c.641-21136T>C (NM_001330368.2); c.*38+5013T>C (NM_001351110.2).
Identifiers: ClinVar variation 629946 (VCV000629946.7), dbSNP rs1476284330, ClinGen allele CA913188477.

ClinVar aggregate classification (germline): Conflicting classifications of pathogenicity. Review status: criteria provided, conflicting classifications (1 of 4 stars). 3 submissions from 3 submitters: Uncertain significance (1); Likely benign (2). Last evaluated 2024-11-26.

Conditions:
Familial cancer of breast. Also called: Hereditary breast cancer; BREAST CANCER, FAMILIAL; hereditary breast carcinoma. Identifiers: Orphanet 227535, MedGen C0346153, MONDO:0016419, OMIM 114480. Disease mechanism: loss of function.
Hereditary cancer-predisposing syndrome. Also called: Tumor predisposition; Hereditary neoplastic syndrome; Neoplastic Syndromes, Hereditary; Hereditary Cancer Syndrome. Identifiers: Orphanet 140162, MedGen C0027672, MeSH D009386, MONDO:0015356.
Ataxia-telangiectasia syndrome (AT). Also called: Ataxia-telangiectasia, complementation group D; AT, COMPLEMENTATION GROUP C; ATAXIA-TELANGIECTASIA, COMPLEMENTATION GROUP A; ATAXIA-TELANGIECTASIA, FRESNO VARIANT; Ataxia-telangiectasia; LOUIS-BAR SYNDROME. Identifiers: Orphanet 100, MedGen C0004135, MONDO:0008840, OMIM 208900.

Allele frequency attached by ClinVar (database versions not stated): gnomAD exomes below 0.00001.
gnomAD v4.1: 1 of 1,612,844 alleles (0.000062%); highest among the groups gnomAD compares: South Asian, 0.0011%; no homozygotes.

Submissions (3):

Labcorp Genetics (formerly Invitae), Labcorp
Classification: Likely benign for Ataxia-telangiectasia syndrome. Last evaluated: 2024-11-26. Review status: criteria provided, single submitter. Criteria: Invitae Variant Classification Sherloc (09022015). Collection method: clinical testing. Allele origin: germline.

Myriad Genetics, Inc.
Classification: Likely benign for Familial cancer of breast. Last evaluated: 2024-06-13. Review status: criteria provided, single submitter. Criteria: Myriad Autosomal Dominant, Autosomal Recessive and X-Linked Classification Criteria (2023). Collection method: clinical testing. Allele origin: unknown.
Comment: This variant is considered likely benign. This variant is intronic and is not expected to impact mRNA splicing.

Color Diagnostics, LLC DBA Color Health
Classification: Uncertain significance for Hereditary cancer-predisposing syndrome. Last evaluated: 2018-09-24. Review status: criteria provided, single submitter. Criteria: ACMG Guidelines, 2015. Collection method: clinical testing. Allele origin: germline.